The following is an entry in ClinVar:

ClinVar aggregate classification (germline): Uncertain significance. Review status: criteria provided, multiple submitters, no conflicts (2 of 4 stars). 2 submissions from 2 submitters: Uncertain significance (2). Last evaluated 2025-05-04.

Conditions:
Hereditary cancer-predisposing syndrome. Also called: Neoplastic Syndromes, Hereditary; Tumor predisposition; Hereditary Cancer Syndrome; Hereditary neoplastic syndrome. Identifiers: Orphanet 140162, MedGen C0027672, MeSH D009386, MONDO:0015356.
Gastrointestinal stromal tumor. Also called: Gastrointestinal stromal tumor, somatic; Gastrointestinal stroma tumor. Identifiers: Orphanet 44890, MedGen C0238198, MeSH D046152, MONDO:0011719, OMIM 606764, HP:0100723.

Allele frequency attached by ClinVar (database versions not stated): TOPMed below 0.00001; gnomAD 0.00001.
gnomAD v4.1: 1 of 1,607,214 alleles (0.000062%); highest among the groups gnomAD compares: African/African-American, 0.0013%; no homozygotes.

Submissions (2):

Ambry Genetics
Classification: Uncertain significance for Hereditary cancer-predisposing syndrome. Last evaluated: 2025-05-04. Review status: criteria provided, single submitter. Criteria: Ambry Variant Classification Scheme 2023. Collection method: clinical testing. Allele origin: germline.
Comment: The p.V742M variant (also known as c.2224G>A), located in coding exon 15 of the KIT gene, results from a G to A substitution at nucleotide position 2224. The valine at codon 742 is replaced by methionine, an amino acid with highly similar properties. This amino acid position is conserved. In addition, this alteration is predicted to be tolerated by in silico analysis. Based on the available evidence, the clinical significance of this variant remains unclear.

Labcorp Genetics (formerly Invitae), Labcorp
Classification: Uncertain significance for Gastrointestinal stromal tumor. Last evaluated: 2018-09-24. Review status: criteria provided, single submitter. Criteria: Invitae Variant Classification Sherloc (09022015). Collection method: clinical testing. Allele origin: germline.
Comment: In summary, the available evidence is currently insufficient to determine the role of this variant in disease. Therefore, it has been classified as a Variant of Uncertain Significance. Algorithms developed to predict the effect of missense changes on protein structure and function (SIFT, PolyPhen-2, Align-GVGD) all suggest that this variant is likely to be tolerated, but these predictions have not been confirmed by published functional studies and their clinical significance is uncertain. This variant has not been reported in the literature in individuals with KIT-related disease. This variant is not present in population databases (ExAC no frequency). This sequence change replaces valine with methionine at codon 742 of the KIT protein (p.Val742Met). The valine residue is weakly conserved and there is a small physicochemical difference between valine and methionine.

NM_000222.3(KIT):c.2224G>A (p.Val742Met)

Gene: KIT (KIT proto-oncogene, receptor tyrosine kinase; plus strand). Cytogenetic location: 4q12.
Variant type: single nucleotide variant.
Coding change: c.2224G>A on transcript NM_000222.3 (MANE Select); coding-DNA position 2224, G replaced by A.
Protein change: p.Val742Met; replaces valine 742 with methionine.
Molecular consequence: missense variant.
Genome position (GRCh38, 1-based): chr4:54,731,410, G>A. VCF-style: chr4-54731410-G-A. GRCh37 (hg19) VCF-style: chr4-55597576-G-A.
Other names: c.2212G>A, p.Val738Met (NM_001093772.2, NM_001385292.1); c.2227G>A, p.Val743Met (NM_001385284.1); c.2221G>A, p.Val741Met (NM_001385285.1); c.2209G>A, p.Val737Met (NM_001385286.1); c.2215G>A, p.Val739Met (NM_001385288.1); c.2224G>A, p.Val742Met (NM_001385290.1); short protein forms V738M, V742M, V737M, V739M, V741M, V743M.
Identifiers: ClinVar variation 658174 (VCV000658174.10), dbSNP rs1303414810, ClinGen allele CA356910780.